The following is an entry in ClinVar:

ClinVar aggregate classification (germline): Uncertain significance. Review status: criteria provided, multiple submitters, no conflicts (2 of 4 stars). 2 submissions from 2 submitters: Uncertain significance (2). Last evaluated 2024-02-24.

Conditions:
Developmental and epileptic encephalopathy, 1 (DEE1). Also called: INFANTILE SPASM SYNDROME, X-LINKED 1; X-linked infantile spasms; West's syndrome; Tonic spasms with clustering, arrest of psychomotor development and hypsarrhythmia on EEG; X-Linked Infantile Spasm Syndrome; OHTAHARA SYNDROME, X-LINKED. Identifiers: MedGen C3463992, MONDO:0010632, OMIM 308350. Disease mechanism: loss of function.
Autosomal recessive spinocerebellar ataxia 12. Also called: SPINOCEREBELLAR ATAXIA WITH MENTAL RETARDATION AND EPILEPSY. Identifiers: Orphanet 284282, MedGen C3280452, MONDO:0013687, OMIM 614322.

Allele frequency attached by ClinVar (database versions not stated): ExAC 0.00001; gnomAD exomes 0.00001.
gnomAD v4.1: 14 of 1,614,188 alleles (0.00087%); highest among the groups gnomAD compares: Admixed American, 0.0017%; no homozygotes.

Submissions (2):

Labcorp Genetics (formerly Invitae), Labcorp
Classification: Uncertain significance for Developmental and epileptic encephalopathy, 1; Autosomal recessive spinocerebellar ataxia 12. Last evaluated: 2024-02-24. Review status: criteria provided, single submitter. Criteria: Invitae Variant Classification Sherloc (09022015). Collection method: clinical testing. Allele origin: germline.
Comment: This sequence change replaces aspartic acid, which is acidic and polar, with glycine, which is neutral and non-polar, at codon 96 of the WWOX protein (p.Asp96Gly). This variant is present in population databases (rs776969977, gnomAD 0.003%). This variant has not been reported in the literature in individuals affected with WWOX-related conditions. ClinVar contains an entry for this variant (Variation ID: 808111). An algorithm developed to predict the effect of missense changes on protein structure and function (PolyPhen-2) suggests that this variant is likely to be tolerated. In summary, the available evidence is currently insufficient to determine the role of this variant in disease. Therefore, it has been classified as a Variant of Uncertain Significance.

CeGaT Center for Human Genetics Tuebingen
Classification: Uncertain significance. Last evaluated: 2016-06-01. Review status: criteria provided, single submitter. Criteria: CeGaT Center For Human Genetics Tuebingen Variant Classification Criteria Version 2. Collection method: clinical testing. Allele origin: germline. Affected: yes. Observed: 1 variant allele.

NM_016373.4(WWOX):c.287A>G (p.Asp96Gly)

Gene: WWOX (WW domain containing oxidoreductase; plus strand). Cytogenetic location: 16q23.1.
Variant type: single nucleotide variant.
Coding change: c.287A>G on transcript NM_016373.4 (MANE Select); coding-DNA position 287, A replaced by G.
Protein change: p.Asp96Gly; replaces aspartic acid 96 with glycine.
Molecular consequence: missense variant. On other transcripts: 5 prime UTR variant (1), non-coding transcript variant (1).
Genome position (GRCh38, 1-based): chr16:78,115,032, A>G. VCF-style: chr16-78115032-A-G. GRCh37 (hg19) VCF-style: chr16-78148929-A-G.
Other names: c.-53A>G (NM_001291997.2); c.287A>G, p.Asp96Gly (NM_130791.5); short protein forms D96G.
Identifiers: ClinVar variation 808111 (VCV000808111.47), dbSNP rs776969977, ClinGen allele CA8183141.